The following is an entry in ClinVar:

ClinVar aggregate classification (germline): Uncertain significance (1 of 4 stars; one submission).

Submission:

Labcorp Genetics (formerly Invitae), Labcorp
Classification: Uncertain significance. Last evaluated: 2021-02-12. Review status: criteria provided, single submitter. Criteria: Invitae Variant Classification Sherloc (09022015). Collection method: clinical testing. Allele origin: germline.
Comment: This sequence change replaces methionine with leucine at codon 450 of the ABCA4 protein (p.Met450Leu). The methionine residue is moderately conserved and there is a small physicochemical difference between methionine and leucine. In summary, the available evidence is currently insufficient to determine the role of this variant in disease. Therefore, it has been classified as a Variant of Uncertain Significance. Advanced modeling of protein sequence and biophysical properties (such as structural, functional, and spatial information, amino acid conservation, physicochemical variation, residue mobility, and thermodynamic stability) performed at Invitae indicates that this missense variant is not expected to disrupt ABCA4 protein function. This variant has not been reported in the literature in individuals with ABCA4-related conditions. This variant is not present in population databases (ExAC no frequency).

NM_000350.3(ABCA4):c.1348A>T (p.Met450Leu)

Gene: ABCA4 (ATP binding cassette subfamily A member 4; minus strand). Cytogenetic location: 1p22.1.
Variant type: single nucleotide variant.
Coding change: c.1348A>T on transcript NM_000350.3 (MANE Select); coding-DNA position 1348, A replaced by T.
Protein change: p.Met450Leu; replaces methionine 450 with leucine.
Molecular consequence: missense variant.
Genome position (GRCh38, 1-based): chr1:94,078,598, T>A on the plus strand (A>T on the coding strand, the complement: ABCA4 is on the minus strand). VCF-style: chr1-94078598-T-A. GRCh37 (hg19) VCF-style: chr1-94544154-T-A.
Other names: c.1348A>T, p.Met450Leu (NM_001425324.1); short protein forms M450L.
Identifiers: ClinVar variation 1509356 (VCV001509356.8), dbSNP rs2101102846, ClinGen allele CA341282257.